The following is an entry in ClinVar:

ClinVar aggregate classification (germline): Likely pathogenic (1 of 4 stars; one submission).

Conditions:
Postaxial polydactyly-anterior pituitary anomalies-facial dysmorphism syndrome. Also called: Culler-Jones syndrome. Identifiers: Orphanet 420584, MedGen C4014479, MONDO:0014369, OMIM 615849.
Holoprosencephaly 9 (HPE9). Also called: PITUITARY ANOMALIES WITH HOLOPROSENCEPHALY-LIKE FEATURES; HOLOPROSENCEPHALY WITH MICROPHTHALMIA AND FIRST BRANCHIAL ARCH ANOMALIES. Identifiers: Orphanet 2162, MedGen C1835819, MONDO:0012563, OMIM 610829.

Submission:

Labcorp Genetics (formerly Invitae), Labcorp
Classification: Likely pathogenic for Postaxial polydactyly-anterior pituitary anomalies-facial dysmorphism syndrome; Holoprosencephaly 9. Last evaluated: 2023-04-25. Review status: criteria provided, single submitter. Criteria: Invitae Variant Classification Sherloc (09022015). Collection method: clinical testing. Allele origin: germline.
Comment: This variant results in the deletion of part of exon 2 (c.149-877_238del) of the GLI2 gene. It is expected to disrupt RNA splicing. Variants that disrupt the donor or acceptor splice site typically lead to a loss of protein function (PMID: 16199547), and loss-of-function variants in GLI2 are known to be pathogenic (PMID: 20685856, 24744436). In summary, the currently available evidence indicates that the variant is pathogenic, but additional data are needed to prove that conclusively. Therefore, this variant has been classified as Likely Pathogenic. This variant has not been reported in the literature in individuals affected with GLI2-related conditions.

Literature cited by the submitters: PubMed 16199547; PubMed 20685856; PubMed 24744436.

NM_001374353.1(GLI2):c.149-877_238del

Gene: GLI2 (GLI family zinc finger 2; plus strand). Cytogenetic location: 2q14.2.
Variant type: Deletion.
Coding change: c.149-877_238del on transcript NM_001374353.1 (MANE Select); 877 bases into the intron before coding-DNA position 149 through coding-DNA position 238, 967 bases deleted.
Molecular consequence: splice acceptor variant. On other transcripts: intron variant (1).
Genome position (GRCh38, 1-based): chr2:120,926,484-120,927,450, 967 bases deleted. GRCh37 (hg19): chr2:121,684,060-121,685,026.
Other names: c.149-877_238del (NM_001371271.1, NM_005270.5); c.-121-24759_-121-23793del (NM_001374354.1).
Identifiers: ClinVar variation 2947133 (VCV002947133.3), dbSNP rs2467520088, ClinGen allele CA2740095685.